The following is an entry in ClinVar:

ClinVar aggregate classification (germline): Pathogenic. Review status: criteria provided, multiple submitters, no conflicts (2 of 4 stars). 2 submissions from 2 submitters: Pathogenic (2). Last evaluated 2024-04-19.

Conditions:
Familial cancer of breast. Also called: Hereditary breast cancer; BREAST CANCER, FAMILIAL; hereditary breast carcinoma. Identifiers: Orphanet 227535, MedGen C0346153, MONDO:0016419, OMIM 114480. Disease mechanism: loss of function.

Submissions (2):

Labcorp Genetics (formerly Invitae), Labcorp
Classification: Pathogenic for Familial cancer of breast. Last evaluated: 2024-04-19. Review status: criteria provided, single submitter. Criteria: Invitae Variant Classification Sherloc (09022015). Collection method: clinical testing. Allele origin: germline.
Comment: This sequence change creates a premature translational stop signal (p.Ser312Lysfs*9) in the PALB2 gene. It is expected to result in an absent or disrupted protein product. Loss-of-function variants in PALB2 are known to be pathogenic (PMID: 17200668, 17200671, 17200672, 24136930, 25099575). This variant is not present in population databases (gnomAD no frequency). This variant has not been reported in the literature in individuals affected with PALB2-related conditions. For these reasons, this variant has been classified as Pathogenic.

Myriad Genetics, Inc.
Classification: Pathogenic for Familial cancer of breast. Last evaluated: 2023-09-07. Review status: criteria provided, single submitter. Criteria: Myriad Autosomal Dominant, Autosomal Recessive and X-Linked Classification Criteria (2023). Collection method: clinical testing. Allele origin: unknown.
Comment: This variant is considered pathogenic. This variant creates a frameshift predicted to result in premature protein truncation.

Literature cited by the submitters: PubMed 17200668 (cited by Labcorp Genetics (formerly Invitae), Labcorp); PubMed 17200671 (cited by Labcorp Genetics (formerly Invitae), Labcorp); PubMed 17200672 (cited by Labcorp Genetics (formerly Invitae), Labcorp); PubMed 24136930 (cited by Labcorp Genetics (formerly Invitae), Labcorp); PubMed 25099575 (cited by Labcorp Genetics (formerly Invitae), Labcorp).

NM_024675.4(PALB2):c.934dup (p.Ser312fs)

Gene: PALB2 (partner and localizer of BRCA2; minus strand). Cytogenetic location: 16p12.2.
Variant type: Duplication.
Coding change: c.934dup on transcript NM_024675.4 (MANE Select); coding-DNA position 934, one base duplicated (A; older notation c.934dupA).
Protein change: p.Ser312fs; shifts the reading frame from serine 312.
Molecular consequence: frameshift variant. On other transcripts: intron variant (3).
Genome position (GRCh38, 1-based): chr16:23,635,612, T duplicated on the plus strand (A on the coding strand, the reverse complement: PALB2 is on the minus strand); the first of 4 consecutive T bases (chr16:23,635,612-23,635,615); duplicating any one gives the same sequence. VCF-style (leftmost placement, unchanged base first): chr16-23635611-C-CT. GRCh37 (hg19) VCF-style: chr16-23646932-C-CT.
Other names: c.874dup, p.Ser292fs (NM_001407296.1); c.934dup, p.Ser312fs (NM_001407297.1, NM_001407298.1, NM_001407299.1 and 3 more transcripts); c.49dup, p.Ser17fs (NM_001407304.1, NM_001407305.1, NM_001407306.1 and 5 more transcripts); c.48+5498dup (NM_001407314.1); c.-104-5143dup (NM_001407313.1, NM_001407312.1); short protein forms S17fs, S292fs, S312fs.
Identifiers: ClinVar variation 2674041 (VCV002674041.3), dbSNP rs1967007854, ClinGen allele CA2695197525.